The following is an entry in ClinVar:

ClinVar aggregate classification (germline): Uncertain significance (1 of 4 stars; one submission).

Submission:

Labcorp Genetics (formerly Invitae), Labcorp
Classification: Uncertain significance. Last evaluated: 2022-07-06. Review status: criteria provided, single submitter. Criteria: Invitae Variant Classification Sherloc (09022015). Collection method: clinical testing. Allele origin: germline.
Comment: This sequence change replaces arginine, which is basic and polar, with glutamine, which is neutral and polar, at codon 43 of the NEUROG3 protein (p.Arg43Gln). This variant is not present in population databases (gnomAD no frequency). This variant has not been reported in the literature in individuals affected with NEUROG3-related conditions. Algorithms developed to predict the effect of missense changes on protein structure and function output the following: SIFT: "Tolerated"; PolyPhen-2: "Benign"; Align-GVGD: "Class C0". The glutamine amino acid residue is found in multiple mammalian species, which suggests that this missense change does not adversely affect protein function. In summary, the available evidence is currently insufficient to determine the role of this variant in disease. Therefore, it has been classified as a Variant of Uncertain Significance.

NM_020999.4(NEUROG3):c.128G>A (p.Arg43Gln)

Gene: NEUROG3 (neurogenin 3; minus strand). Cytogenetic location: 10q22.1.
Variant type: single nucleotide variant.
Coding change: c.128G>A on transcript NM_020999.4 (MANE Select); coding-DNA position 128, G replaced by A.
Protein change: p.Arg43Gln; replaces arginine 43 with glutamine.
Molecular consequence: missense variant.
Genome position (GRCh38, 1-based): chr10:69,572,916, C>T on the plus strand (G>A on the coding strand, the complement: NEUROG3 is on the minus strand). VCF-style: chr10-69572916-C-T. GRCh37 (hg19) VCF-style: chr10-71332672-C-T.
Other names: short protein forms R43Q.
Identifiers: ClinVar variation 2014294 (VCV002014294.4), dbSNP rs2540710448, ClinGen allele CA376923130.
Genomic context (GRCh38, chr10:69,572,916, plus strand): 5'-GCCCGGAGCTTCCTCGGGGCCCCTCGGCAGCCTCCCTCTTCCGCCTCTGCGCAGTTCCCC[C>T]GTGTGCGAGTGGGGCTGGGCGGGGCGGACGTGGGGCAGGTCACTTCGTCTTCCGAGGCTC-3'
Protein context (NP_066279.2, residues 33-53): TSAPPSPTRT[Arg43Gln]GNCAEAEEGG